The following is an entry in ClinVar:

ClinVar aggregate classification (germline): Conflicting classifications of pathogenicity. Review status: criteria provided, conflicting classifications (1 of 4 stars). 14 submissions from 13 submitters: Uncertain significance (8); Likely benign (2). 4 of the submissions do not count toward it. Last evaluated 2026-10-06.

Conditions:
Marshall syndrome (MRSHS). Identifiers: Orphanet 560, MedGen C0265235, MONDO:0007949, OMIM 154780.
Hearing loss, autosomal dominant 37. Also called: DEAFNESS, AUTOSOMAL DOMINANT 37. Identifiers: MedGen C4760307, MONDO:0032802, OMIM 618533.
Stickler syndrome type 2 (STL2). Also called: STICKLER SYNDROME, BEADED VITREOUS TYPE; STICKLER SYNDROME, VITREOUS TYPE 2; COL11A1-Related Stickler Syndrome; STICKLER SYNDROME, TYPE II. Identifiers: Orphanet 828, Orphanet 90654, MedGen C1858084, MONDO:0011493, OMIM 604841.
Inborn genetic diseases. Identifiers: MedGen C0950123, MeSH D030342.
COL11A1-related disorder. Also called: COL11A1-related condition; COL11A1-related disorders.
Fibrochondrogenesis 1 (FBCG1). Identifiers: Orphanet 2021, MedGen C3278138, MONDO:0009226, OMIM 228520.
Intervertebral disc disorder (IDD). Also called: Lumbar disk degenerative disorder; INTERVERTEBRAL DISC DISEASE. Identifiers: MedGen C0158252, MONDO:0044339, OMIM 603932.

Allele frequency attached by ClinVar (database versions not stated): gnomAD exomes 0.00014 and 0.00035; ESP Exome Variant Server 0.00015; ExAC 0.00017; TOPMed 0.00017; gnomAD 0.00025 and 0.00026.
gnomAD v4.1: 534 of 1,612,598 alleles (0.033%); highest among the groups gnomAD compares: Non-Finnish European, 0.044%; no homozygotes.

Submissions (14):

GeneDx
Classification: Uncertain significance. Last evaluated: 2026-10-06. Review status: criteria provided, single submitter. Criteria: GeneDx Variant Classification Process June 2021. Collection method: clinical testing. Allele origin: germline.
Comment: Has not been previously published as pathogenic or benign to our knowledge; In silico analysis supports that this missense variant has a deleterious effect on protein structure/function; This variant is associated with the following publications: (PMID: 25240749)

Clinical Genomics Laboratory, Washington University in St. Louis
Classification: Uncertain significance for Stickler syndrome type 2; Marshall syndrome; Hearing loss, autosomal dominant 37. Last evaluated: 2026-04-09. Review status: criteria provided, single submitter. Criteria: ACMG Guidelines, 2015. Collection method: clinical testing. Allele origin: germline.
Comment: The COL11A1 c.4222G>A (p.Gly1408Ser) variant, to our knowledge, has not been reported in the medical literature. This variant has been reported in the ClinVar database as a germline pathogenic variant by one submitter, as a variant of uncertain significance by 10 submitters and as a likely benign variant by one submitter. The highest population minor allele frequency in the population database genome aggregation database (v.2.1.1) is 0.0302% in the European non-Finninsh population. This variant replaces a glycine residue in a repeating Gly-X-Y amino acid sequence of COL11A1 that is defined as critical for the structure of the collagen (Richards AJ et al., PMID: 35885981). Computational predictors indicate that the variant is damaging, evidence that correlates with impact to COL11A1 function. Due to conflicting information, and based on ACMG/AMP guidelines for variant interpretation (Richards S et al., PMID: 25741868), the clinical significance of this variant is uncertain at this time.

Labcorp Genetics (formerly Invitae), Labcorp
Classification: Likely benign. Last evaluated: 2026-01-05. Review status: criteria provided, single submitter. Criteria: Invitae Variant Classification Sherloc (09022015). Collection method: clinical testing. Allele origin: germline.

Blueprint Genetics
Classification: Likely benign. Last evaluated: 2024-08-28. Review status: criteria provided, single submitter. Criteria: ACMG Guidelines, 2015. Collection method: clinical testing. Allele origin: germline.

Clinical Genetics Laboratory, Skane University Hospital Lund
Classification: Uncertain significance. Last evaluated: 2022-05-27. Review status: criteria provided, single submitter. Criteria: ACMG Guidelines, 2015. Collection method: clinical testing. Allele origin: germline. Affected: yes.

Ambry Genetics
Classification: Uncertain significance for Inborn genetic diseases. Last evaluated: 2021-09-28. Review status: criteria provided, single submitter. Criteria: Ambry Variant Classification Scheme 2023. Collection method: clinical testing. Allele origin: germline.

Fulgent Genetics
Classification: Uncertain significance for Marshall syndrome; Fibrochondrogenesis 1; Intervertebral disc disorder; Stickler syndrome type 2; Hearing loss, autosomal dominant 37. Last evaluated: 2021-07-29. Review status: criteria provided, single submitter. Criteria: ACMG Guidelines, 2015. Collection method: clinical testing. Allele origin: unknown.

Illumina Laboratory Services, Illumina
Classification: Uncertain significance for Stickler syndrome type 2. Last evaluated: 2018-01-13. Review status: criteria provided, single submitter. Criteria: ICSL Variant Classification Criteria 13 December 2019. Collection method: clinical testing. Allele origin: germline.

Illumina Laboratory Services, Illumina
Classification: Uncertain significance for Fibrochondrogenesis 1. Last evaluated: 2018-01-13. Review status: criteria provided, single submitter. Criteria: ICSL Variant Classification Criteria 13 December 2019. Collection method: clinical testing. Allele origin: germline.

CeGaT Center for Human Genetics Tuebingen
Classification: Uncertain significance. Last evaluated: 2018-01-01. Review status: criteria provided, single submitter. Criteria: CeGaT Center For Human Genetics Tuebingen Variant Classification Criteria Version 2. Collection method: clinical testing. Allele origin: germline. Affected: yes. Observed: 1 variant allele.

PreventionGenetics, part of Exact Sciences
Classification: Uncertain significance for COL11A1-related condition. Last evaluated: 2024-09-03. Review status: no assertion criteria provided. Collection method: clinical testing. Allele origin: germline. Not counted in ClinVar's aggregate classification.
Comment: The COL11A1 c.4222G>A variant is predicted to result in the amino acid substitution p.Gly1408Ser. To our knowledge, this variant has not been reported in the literature. This variant affects a Gly residue of the conserved Gly-Xaa-Yaa triple helical domain (amino acid residues 529-1542), where substitutions of glycine are usually pathogenic (Richards et al. 2010. PubMed ID: 20513134). However, this variant is reported in 0.030% of alleles in individuals of European (Non-Finnish) descent in gnomAD, which is more common than expected for a pathogenic variant. At this time, the clinical significance of this variant is uncertain due to the absence of conclusive functional and genetic evidence.

Autoinflammatory diseases unit, CHU de Montpellier
Classification: Pathogenic for Stickler syndrome type 2. Last evaluated: 2024-08-21. Review status: no assertion criteria provided. Collection method: clinical testing. Allele origin: unknown. Affected: yes. Not counted in ClinVar's aggregate classification.

Clinical Genetics, Academic Medical Center
Classification: Uncertain significance. Review status: no assertion criteria provided. Collection method: clinical testing. Allele origin: germline. Affected: yes. Study: VKGL Data-share Consensus. Not counted in ClinVar's aggregate classification.

Joint Genome Diagnostic Labs from Nijmegen and Maastricht, Radboudumc and MUMC+
Classification: Uncertain significance. Review status: no assertion criteria provided. Collection method: clinical testing. Allele origin: germline. Affected: yes. Study: VKGL Data-share Consensus. Not counted in ClinVar's aggregate classification.

NM_001854.4(COL11A1):c.4222G>A (p.Gly1408Ser)

Gene: COL11A1 (collagen type XI alpha 1 chain; minus strand). Cytogenetic location: 1p21.1.
Variant type: single nucleotide variant.
Coding change: c.4222G>A on transcript NM_001854.4 (MANE Select); coding-DNA position 4222, G replaced by A.
Protein change: p.Gly1408Ser; replaces glycine 1408 with serine.
Molecular consequence: missense variant. On other transcripts: non-coding transcript variant (1).
Genome position (GRCh38, 1-based): chr1:102,898,692, C>T on the plus strand (G>A on the coding strand, the complement: COL11A1 is on the minus strand). VCF-style: chr1-102898692-C-T. GRCh37 (hg19) VCF-style: chr1-103364248-C-T.
Other names: c.4105G>A, p.Gly1369Ser (NM_001190709.2); c.4258G>A, p.Gly1420Ser (NM_080629.3); c.3874G>A, p.Gly1292Ser (NM_080630.4); short protein forms G1408S, G1420S, G1292S, G1369S.
Identifiers: ClinVar variation 291505 (VCV000291505.67), dbSNP rs200496207, ClinGen allele CA973631.